The following is an entry in ClinVar:

NM_014140.4(SMARCAL1):c.2356G>A (p.Ala786Thr)

Gene: SMARCAL1 (SNF2 related chromatin remodeling annealing helicase 1; plus strand). Cytogenetic location: 2q35.
Variant type: single nucleotide variant.
Coding change: c.2356G>A on transcript NM_014140.4 (MANE Select); coding-DNA position 2356, G replaced by A.
Protein change: p.Ala786Thr; replaces alanine 786 with threonine.
Molecular consequence: missense variant.
Genome position (GRCh38, 1-based): chr2:216,475,380, G>A. VCF-style: chr2-216475380-G-A. GRCh37 (hg19) VCF-style: chr2-217340103-G-A.
Other names: c.2356G>A, p.Ala786Thr (NM_001127207.2); short protein forms A786T.
Identifiers: ClinVar variation 1055117 (VCV001055117.10), dbSNP rs763369356, ClinGen allele CA2098183.

ClinVar aggregate classification (germline): Uncertain significance. Review status: criteria provided, multiple submitters, no conflicts (2 of 4 stars). 3 submissions from 3 submitters: Uncertain significance (2). 1 of the submissions does not count toward it. Last evaluated 2024-06-13.

Conditions:
Schimke immuno-osseous dysplasia (SIOD). Also called: Schimke Immunoosseous Dysplasia. Identifiers: Orphanet 1830, MedGen C0877024, MONDO:0009458, OMIM 242900.

Allele frequency attached by ClinVar (database versions not stated): gnomAD 0.00001; gnomAD exomes 0.00001 and 0.00002; TOPMed 0.00001; ExAC 0.00002.
gnomAD v4.1: 23 of 1,614,064 alleles (0.0014%); highest among the groups gnomAD compares: Admixed American, 0.005%; no homozygotes.

Submissions (3):

Fulgent Genetics
Classification: Uncertain significance for Schimke immuno-osseous dysplasia. Last evaluated: 2024-06-13. Review status: criteria provided, single submitter. Criteria: ACMG Guidelines, 2015. Collection method: clinical testing. Allele origin: germline.

Labcorp Genetics (formerly Invitae), Labcorp
Classification: Uncertain significance for Schimke immuno-osseous dysplasia. Last evaluated: 2022-02-03. Review status: criteria provided, single submitter. Criteria: Invitae Variant Classification Sherloc (09022015). Collection method: clinical testing. Allele origin: germline.
Comment: This sequence change replaces alanine, which is neutral and non-polar, with threonine, which is neutral and polar, at codon 786 of the SMARCAL1 protein (p.Ala786Thr). This variant is present in population databases (rs763369356, gnomAD 0.003%). This variant has not been reported in the literature in individuals affected with SMARCAL1-related conditions. ClinVar contains an entry for this variant (Variation ID: 1055117). Algorithms developed to predict the effect of missense changes on protein structure and function are either unavailable or do not agree on the potential impact of this missense change (SIFT: "Deleterious"; PolyPhen-2: "Probably Damaging"; Align-GVGD: "Class C0"). In summary, the available evidence is currently insufficient to determine the role of this variant in disease. Therefore, it has been classified as a Variant of Uncertain Significance.

Natera, Inc.
Classification: Uncertain significance for Schimke immuno-osseous dysplasia. Last evaluated: 2020-07-08. Review status: no assertion criteria provided. Collection method: clinical testing. Allele origin: germline. Not counted in ClinVar's aggregate classification.